The following is an entry in ClinVar:

NM_000578.4(SLC11A1):c.1143C>T (p.Tyr381=)

Gene: SLC11A1 (solute carrier family 11 member 1; plus strand). Cytogenetic location: 2q35.
Variant type: single nucleotide variant.
Coding change: c.1143C>T on transcript NM_000578.4 (MANE Select); coding-DNA position 1143, C replaced by T.
Protein change: p.Tyr381=; no amino-acid change (tyrosine 381 retained).
Molecular consequence: synonymous variant.
Genome position (GRCh38, 1-based): chr2:218,391,474, C>T. VCF-style: chr2-218391474-C-T. GRCh37 (hg19) VCF-style: chr2-219256197-C-T.
Identifiers: ClinVar variation 3045914 (VCV003045914.2), dbSNP rs191066713, ClinGen allele CA2105220.
Genomic context (GRCh38, chr2:218,391,474, plus strand): 5'-CTACATCTGGGCCATAGGTCTCCTGGCGGCTGGGCAGAGCTCCACCATGACGGGCACCTA[C>T]GCGGGACAGTTCGTGATGGAGGTAGGGCAGGGGGCGGGCCCAGGAGGGCAAGGGGTCCAA-3'
Protein context (NP_000569.3, residues 371-391): AGQSSTMTGT[Tyr381=]AGQFVMEGFL

ClinVar aggregate classification (germline): Likely benign (0 of 4 stars; one submission).

Conditions:
SLC11A1-related disorder. Also called: SLC11A1-related condition.

Allele frequency attached by ClinVar (database versions not stated): ESP Exome Variant Server 0.00015; 1000 Genomes Project 30x 0.00016; 1000 Genomes Project 0.00020; gnomAD 0.00033; ExAC 0.00051.
gnomAD v4.1: 434 of 1,605,340 alleles (0.027%); highest among the groups gnomAD compares: Non-Finnish European, 0.03%; no homozygotes.

Submission:

PreventionGenetics, part of Exact Sciences
Classification: Likely benign for SLC11A1-related condition. Last evaluated: 2019-10-28. Review status: no assertion criteria provided. Collection method: clinical testing. Allele origin: germline.
Comment: This variant is classified as likely benign based on ACMG/AMP sequence variant interpretation guidelines (Richards et al. 2015 PMID: 25741868, with internal and published modifications).